The following is an entry in ClinVar:

NM_000022.4(ADA):c.704G>A (p.Arg235Gln)

Gene: ADA (adenosine deaminase; minus strand). Cytogenetic location: 20q13.12.
Variant type: single nucleotide variant.
Coding change: c.704G>A on transcript NM_000022.4 (MANE Select); coding-DNA position 704, G replaced by A.
Protein change: p.Arg235Gln; replaces arginine 235 with glutamine.
Molecular consequence: missense variant. On other transcripts: non-coding transcript variant (1).
Genome position (GRCh38, 1-based): chr20:44,622,905, C>T on the plus strand (G>A on the coding strand, the complement: ADA is on the minus strand). VCF-style: chr20-44622905-C-T. GRCh37 (hg19) VCF-style: chr20-43251546-C-T.
Other names: c.299G>A, p.Arg100Gln (NM_001322050.2); c.632G>A, p.Arg211Gln (NM_001322051.2); c.704G>A (NM_000022.3); short protein forms R235Q, R211Q, R100Q.
Identifiers: ClinVar variation 228244 (VCV000228244.22), dbSNP rs79281338, ClinGen allele CA10577124.

ClinVar aggregate classification (germline): Pathogenic/Likely pathogenic. Review status: criteria provided, multiple submitters, no conflicts (2 of 4 stars). 8 submissions from 8 submitters: Pathogenic (4); Likely pathogenic (3). 1 of the submissions does not count toward it. Last evaluated 2025-07-07.

Conditions:
ADA-related disorder. Also called: ADA-related condition.
Severe combined immunodeficiency, autosomal recessive, T cell-negative, B cell-negative, NK cell-negative, due to adenosine deaminase deficiency. Also called: ADA-SCID; Adenosine Deaminase Deficiency; SCID DUE TO ADA DEFICIENCY; SCID DUE TO ADA DEFICIENCY, EARLY-ONSET; ADA deficiency; Adenosine deaminase deficient severe combined immunodeficiency. Identifiers: Orphanet 277, MedGen C0392607, MONDO:0007064, OMIM 102700.

Allele frequency attached by ClinVar (database versions not stated): gnomAD 0.00002; TOPMed 0.00001.
gnomAD v4.1: 11 of 1,614,108 alleles (0.00068%); highest among the groups gnomAD compares: Middle Eastern, 0.016%; no homozygotes.

Submissions (8):

Labcorp Genetics (formerly Invitae), Labcorp
Classification: Pathogenic for Severe combined immunodeficiency, autosomal recessive, T cell-negative, B cell-negative, NK cell-negative, due to adenosine deaminase deficiency. Last evaluated: 2025-07-07. Review status: criteria provided, single submitter. Criteria: Invitae Variant Classification Sherloc (09022015). Collection method: clinical testing. Allele origin: germline.
Comment: This sequence change replaces arginine, which is basic and polar, with glutamine, which is neutral and polar, at codon 235 of the ADA protein (p.Arg235Gln). This variant is present in population databases (rs79281338, gnomAD 0.003%). This missense change has been observed in individual(s) with adenosine deaminase deficiency (PMID: 11313286, 26376800). In at least one individual the data is consistent with being in trans (on the opposite chromosome) from a pathogenic variant. ClinVar contains an entry for this variant (Variation ID: 228244). Invitae Evidence Modeling of protein sequence and biophysical properties (such as structural, functional, and spatial information, amino acid conservation, physicochemical variation, residue mobility, and thermodynamic stability) indicates that this missense variant is expected to disrupt ADA protein function with a positive predictive value of 80%. Experimental studies have shown that this missense change affects ADA function (PMID: 11160213). This variant disrupts the p.Arg235 amino acid residue in ADA. Other variant(s) that disrupt this residue have been determined to be pathogenic (PMID: 21624848, 26255240, 26376800; internal data). This suggests that this residue is clinically significant, and that variants that disrupt this residue are likely to be disease-causing. For these reasons, this variant has been classified as Pathogenic.

PreventionGenetics, part of Exact Sciences
Classification: Pathogenic for ADA-related condition. Last evaluated: 2025-07-01. Review status: criteria provided, single submitter. Criteria: ACMG Guidelines, 2015. Collection method: clinical testing. Allele origin: germline.
Comment: The ADA c.704G>A variant is predicted to result in the amino acid substitution p.Arg235Gln. This variant has been reported in the homozygous and compound heterozygous states in multiple individuals with adenosine deaminase deficiency (see for examples, Ariga et al. 2001. PubMed ID: 11313286; Cagdas et al. 2018. PubMed ID: 29744787; Table S2, Platt et al. 2020. PubMed ID: 32888943; Table S2, Azizi et al. 2023. PubMed ID: 36790564). This variant is reported in 0.0029% of alleles in individuals of Latino descent in gnomAD. In vitro experimental studies using E. coli expression assays suggest this variant abolishes enzyme activity (Ariga et al. 2001. PubMed ID: 11160213; Hershfield. 2003. PubMed ID: 14499267). An alternate missense substitution affecting the same amino acid (p.Arg235Trp) has been reported in multiple individuals with adenosine deaminase deficiency (see for examples, Dalal et al. 2011. PubMed ID: 21624848; Chi et al. 2018. PubMed ID: 30290665; Pajno et al. 2020. PubMed ID: 32307643). In summary, the c.704G>A (p.Arg235Gln) variant is interpreted as pathogenic.

Next Generation Genetic Polyclinic
Classification: Pathogenic for Severe combined immunodeficiency, autosomal recessive, T cell-negative, B cell-negative, NK cell-negative, due to adenosine deaminase deficiency. Last evaluated: 2025-03-04. Review status: criteria provided, single submitter. Criteria: ACMG Guidelines, 2015. Collection method: curation. Allele origin: germline. Affected: yes. Observed: 1 variant allele.
Comment: The NM_000022.4:c.704G>A (ADA) variant results in a missense change in the adenosine deaminase enzyme, which is vital for purine metabolism and immune function. Loss of ADA activity leads to the accumulation of toxic metabolites, causing autosomal recessive severe combined immunodeficiency (ADA-SCID). This variant is absent from population databases (PM2) and is predicted to be deleterious by multiple in silico tools (PP3). It has been reported in multiple individuals (n=11) with clinical features consistent with ADA-SCID in the homozygous state (PS4). Functional data and established mechanism support its role in disease (PVS1_Moderate). Classified as Pathogenic, meeting ACMG criteria: PS4, PM2, PP3, PVS1_Moderate.

Natera, Inc.
Classification: Likely pathogenic for Severe combined immunodeficiency due to ADA deficiency. Last evaluated: 2024-06-10. Review status: criteria provided, single submitter. Criteria: Natera Variant Classification Schema (03/2026). Collection method: clinical testing. Allele origin: germline.
Comment: The c.704G>A variant in ADA is a missense variant predicted to cause substitution of arginine to glutamine at amino acid 235. This variant is rare in the general population with a frequency below the threshold expected for the associated phenotype(s). This variant has been observed in one or more individuals affected with the associated recessive disease, as either homozygous or compound heterozygous with a second variant (PMID: 28916186, 32307643, 32888943, 11160213, 32445296, 32556280, 35451701, 11313286). A different variant at the same position has been determined to be Pathogenic or Likely Pathogenic. Computational prediction algorithms indicate this variant is likely to affect gene or protein function. Given the available evidence, this variant is classified as Likely Pathogenic.

Genome-Nilou Lab
Classification: Likely pathogenic for Severe combined immunodeficiency, autosomal recessive, T cell-negative, B cell-negative, NK cell-negative, due to adenosine deaminase deficiency. Last evaluated: 2021-08-10. Review status: criteria provided, single submitter. Criteria: ACMG Guidelines, 2015. Collection method: clinical testing. Allele origin: germline. Affected: no.

Laboratory for Molecular Medicine, Mass General Brigham Personalized Medicine
Classification: Likely pathogenic for Severe combined immunodeficiency, autosomal recessive, T cell-negative, B cell-negative, NK cell-negative, due to adenosine deaminase deficiency. Last evaluated: 2015-11-09. Review status: criteria provided, single submitter. Criteria: LMM Criteria. Collection method: clinical testing. Allele origin: germline. Inheritance: Autosomal recessive inheritance. Observed: 2 variant alleles.
Comment: The p.Arg235Gln variant in ADA has been reported in 3 individuals with SCID due to adenosine deaminase deficiency, confirmed by decreased ADA enzyme activity in patient cells (Ariga 2001a, Baffelli 2015). All of these individuals were compo und heterozygous and two of them had a second ADA variant predicted to cause los s of function of the gene on the other allele. The p.Arg235Gln variant was absen t from large population studies. Computational prediction tools and conservation analyses suggest that the variant may impact the protein, though this informati on is not predictive enough to determine pathogenicity. Furthermore, in vitro fu nctional studies provide some evidence that this variant impacts protein functio n (Ariga 2001b), although these types of assays may not accurately represent bio logical function. In summary, although additional studies are required to fully establish its clinical significance, this variant is likely pathogenic.

Kariminejad - Najmabadi Pathology & Genetics Center
Classification: Pathogenic for Severe combined immunodeficiency, autosomal recessive, T cell-negative, B cell-negative, NK cell-negative, due to adenosine deaminase deficiency. Review status: criteria provided, single submitter. Criteria: ACMG Guidelines, 2015. Collection method: clinical testing. Allele origin: germline. Affected: no.

Counsyl
Classification: Likely pathogenic for Severe combined immunodeficiency, autosomal recessive, T cell-negative, B cell-negative, NK cell-negative, due to adenosine deaminase deficiency. Last evaluated: 2017-09-06. Review status: no assertion criteria provided. Collection method: clinical testing. Allele origin: unknown. Not counted in ClinVar's aggregate classification.

Literature cited by the submitters: PubMed 11313286 (cited by 4 submitters); PubMed 26376800 (cited by 3 submitters); PubMed 11160213 (cited by 4 submitters); PubMed 21624848 (cited by Labcorp Genetics (formerly Invitae), Labcorp); PubMed 26255240 (cited by Labcorp Genetics (formerly Invitae), Labcorp); PubMed 28916186 (cited by Natera, Inc.); PubMed 32307643 (cited by Natera, Inc.); PubMed 32888943 (cited by Natera, Inc.); PubMed 32445296 (cited by Natera, Inc.); PubMed 32556280 (cited by Natera, Inc.); PubMed 35451701 (cited by Natera, Inc.); PubMed 14499267 (cited by Laboratory for Molecular Medicine, Mass General Brigham Personalized Medicine); PubMed 20544538 (cited by Laboratory for Molecular Medicine, Mass General Brigham Personalized Medicine); PubMed 28266921 (cited by Counsyl).